The following is an entry in ClinVar:

NM_182543.5(NSUN6):c.839del (p.Leu280fs)

Gene: NSUN6 (NOP2/Sun RNA methyltransferase 6; minus strand). Cytogenetic location: 10p12.31.
Variant type: Deletion.
Coding change: c.839del on transcript NM_182543.5 (MANE Select); coding-DNA position 839, one base deleted (T; older notation c.839delT).
Protein change: p.Leu280fs; shifts the reading frame from leucine 280.
Molecular consequence: frameshift variant.
Genome position (GRCh38, 1-based): chr10:18,586,032, A deleted on the plus strand (T on the coding strand, the reverse complement: NSUN6 is on the minus strand); the first of 2 consecutive A bases (chr10:18,586,032-18,586,033); deleting either gives the same sequence. VCF-style (leftmost placement, unchanged base first): chr10-18586031-TA-T. GRCh37 (hg19) VCF-style: chr10-18874960-TA-T.
Other names: c.836del, p.Leu279fs (NM_001351115.2); c.803del, p.Leu268fs (NM_001351116.2); c.683del, p.Leu228fs (NM_001351117.2); c.416del, p.Leu139fs (NM_001351118.2); short protein forms L139fs, L228fs, L268fs, L279fs, L280fs.
Identifiers: ClinVar variation 4813795 (VCV004813795.1).

ClinVar aggregate classification (germline): Likely pathogenic (1 of 4 stars; one submission).

Conditions:
Intellectual developmental disorder, autosomal recessive 82. Identifiers: MedGen C5935601, MONDO:0968944, OMIM 620779.

Submission:

Variantyx, Inc.
Classification: Likely pathogenic for Intellectual developmental disorder, autosomal recessive 82. Last evaluated: 2025-08-15. Review status: criteria provided, single submitter. Criteria: Variantyx Assertion Criteria 2022. Collection method: clinical testing. Allele origin: germline. Inheritance: Autosomal recessive inheritance.
Comment: This is a frameshift variant in the NSUN6 gene (OMIM: 617199). Pathogenic variants in this gene have been associated with autosomal recessive intellectual developmental disorder 82. This variant introduces a premature termination codon in exon 8 out of 11 and is expected to result in loss of function, which is a known disease mechanism for NSUN6 in this disorder (PVS1) (PMID:37226891) This variant has a 0.0115% maximum allele frequency in non-founder control populations (PM2). Based on the current evidence, this variant is classified as likely pathogenic for autosomal recessive intellectual developmental disorder 82.

Literature cited by the submitters: PubMed 37226891.